The following is an entry in ClinVar:

NM_004360.5(CDH1):c.202T>G (p.Tyr68Asp)

Gene: CDH1 (cadherin 1; plus strand). Cytogenetic location: 16q22.1.
Variant type: single nucleotide variant.
Coding change: c.202T>G on transcript NM_004360.5 (MANE Select); coding-DNA position 202, T replaced by G.
Protein change: p.Tyr68Asp; replaces tyrosine 68 with aspartic acid.
Molecular consequence: missense variant. On other transcripts: 5 prime UTR variant (2).
Genome position (GRCh38, 1-based): chr16:68,801,708, T>G. VCF-style: chr16-68801708-T-G. GRCh37 (hg19) VCF-style: chr16-68835611-T-G.
Other names: c.202T>G, p.Tyr68Asp (NM_001317184.2); c.-1414T>G (NM_001317185.2); c.-1618T>G (NM_001317186.2); c.202T>G (LRG_301t1); short protein forms Y68D.
Identifiers: ClinVar variation 406620 (VCV000406620.16), dbSNP rs1060501218, ClinGen allele CA16615365.

ClinVar aggregate classification (germline): Uncertain significance. Review status: criteria provided, multiple submitters, no conflicts (2 of 4 stars). 3 submissions from 3 submitters: Uncertain significance (3). Last evaluated 2024-05-06.

Conditions:
Hereditary diffuse gastric adenocarcinoma (HDGC). Also called: DIFFUSE GASTRIC AND LOBULAR BREAST CANCER SYNDROME. Identifiers: Orphanet 26106, MedGen C1708349, MONDO:0007648, OMIM 137215.
Hereditary cancer-predisposing syndrome. Also called: Neoplastic Syndromes, Hereditary; Hereditary Cancer Syndrome; Hereditary neoplastic syndrome; Tumor predisposition. Identifiers: Orphanet 140162, MedGen C0027672, MeSH D009386, MONDO:0015356.
Endometrial carcinoma. Also called: Endometrial carcinoma, somatic. Identifiers: MedGen C0476089, MONDO:0002447, OMIM 608089, HP:0012114.
Familial cancer of breast. Also called: BREAST CANCER, FAMILIAL; Hereditary breast cancer; hereditary breast carcinoma. Identifiers: Orphanet 227535, MedGen C0346153, MONDO:0016419, OMIM 114480. Disease mechanism: loss of function.
Blepharocheilodontic syndrome 1 (BCDS1). Identifiers: Orphanet 1997, MedGen C4551988, MONDO:0054740, OMIM 119580.
Ovarian neoplasm. Also called: Neoplasm of ovary; Ovarian tumor; Ovarian Neoplasms. Identifiers: MedGen C0919267, MeSH D010051, MONDO:0021068, HP:0100615.
Prostate cancer. Also called: Malignant tumor of prostate. Identifiers: Orphanet 1331, MedGen C0376358, MONDO:0008315, HP:0012125.

Allele frequency attached by ClinVar (database versions not stated): gnomAD exomes below 0.00001.
gnomAD v4.1: 2 of 1,614,192 alleles (0.00012%); highest among the groups gnomAD compares: Non-Finnish European, 0.00017%; no homozygotes.

Submissions (3):

Ambry Genetics
Classification: Uncertain significance for Hereditary cancer-predisposing syndrome. Last evaluated: 2024-05-06. Review status: criteria provided, single submitter. Criteria: Ambry Variant Classification Scheme 2023. Collection method: clinical testing. Allele origin: germline.
Comment: The p.Y68D variant (also known as c.202T>G), located in coding exon 3 of the CDH1 gene, results from a T to G substitution at nucleotide position 202. The tyrosine at codon 68 is replaced by aspartic acid, an amino acid with highly dissimilar properties. This amino acid position is not well conserved in available vertebrate species. In addition, the in silico prediction for this alteration is inconclusive. Based on the available evidence, the clinical significance of this variant remains unclear.

Fulgent Genetics
Classification: Uncertain significance for Familial cancer of breast; Blepharocheilodontic syndrome 1; Hereditary diffuse gastric adenocarcinoma; Ovarian cancer; Familial prostate cancer; Endometrial carcinoma. Last evaluated: 2022-04-27. Review status: criteria provided, single submitter. Criteria: ACMG Guidelines, 2015. Collection method: clinical testing. Allele origin: unknown.

Labcorp Genetics (formerly Invitae), Labcorp
Classification: Uncertain significance for Hereditary diffuse gastric adenocarcinoma. Last evaluated: 2018-10-01. Review status: criteria provided, single submitter. Criteria: Invitae Variant Classification Sherloc (09022015). Collection method: clinical testing. Allele origin: germline.
Comment: This sequence change replaces tyrosine with aspartic acid at codon 68 of the CDH1 protein (p.Tyr68Asp). The tyrosine residue is weakly conserved and there is a large physicochemical difference between tyrosine and aspartic acid. This variant is not present in population databases (ExAC no frequency) and has not been reported in the literature in individuals with a CDH1-related disease. Algorithms developed to predict the effect of missense changes on protein structure and function do not agree on the potential impact of this missense change (SIFT: "Deleterious"; PolyPhen-2: "Possibly Damaging"; Align-GVGD: "Class C0"). In summary, this variant is a novel missense change with uncertain impact on protein function. It has been classified as a Variant of Uncertain Significance.